The following is an entry in ClinVar:

ClinVar aggregate classification (germline): Uncertain significance (1 of 4 stars; one submission).

Conditions:
T-B+ severe combined immunodeficiency due to JAK3 deficiency. Also called: SCID, autosomal recessive, T-negative/B-positive type; SCID, T CELL-NEGATIVE, B CELL-POSITIVE, NK CELL-NEGATIVE. Identifiers: Orphanet 35078, MedGen C1833275, MONDO:0010938, OMIM 600802.

Allele frequency attached by ClinVar (database versions not stated): gnomAD 0.00001.
gnomAD v4.1: 91 of 1,614,074 alleles (0.0056%); highest among the groups gnomAD compares: Non-Finnish European, 0.0076%; no homozygotes.

Submission:

Labcorp Genetics (formerly Invitae), Labcorp
Classification: Uncertain significance for T-B+ severe combined immunodeficiency due to JAK3 deficiency. Last evaluated: 2021-12-13. Review status: criteria provided, single submitter. Criteria: Invitae Variant Classification Sherloc (09022015). Collection method: clinical testing. Allele origin: germline.
Comment: This sequence change replaces alanine, which is neutral and non-polar, with threonine, which is neutral and polar, at codon 677 of the JAK3 protein (p.Ala677Thr). This variant is present in population databases (rs201000040, gnomAD 0.005%). This variant has not been reported in the literature in individuals affected with JAK3-related conditions. Advanced modeling of protein sequence and biophysical properties (such as structural, functional, and spatial information, amino acid conservation, physicochemical variation, residue mobility, and thermodynamic stability) performed at Invitae indicates that this missense variant is not expected to disrupt JAK3 protein function. In summary, the available evidence is currently insufficient to determine the role of this variant in disease. Therefore, it has been classified as a Variant of Uncertain Significance.

NM_000215.4(JAK3):c.2029G>A (p.Ala677Thr)

Gene: JAK3 (Janus kinase 3; minus strand). Cytogenetic location: 19p13.11.
Variant type: single nucleotide variant.
Coding change: c.2029G>A on transcript NM_000215.4 (MANE Select); coding-DNA position 2029, G replaced by A.
Protein change: p.Ala677Thr; replaces alanine 677 with threonine.
Molecular consequence: missense variant.
Genome position (GRCh38, 1-based): chr19:17,835,101, C>T on the plus strand (G>A on the coding strand, the complement: JAK3 is on the minus strand). VCF-style: chr19-17835101-C-T. GRCh37 (hg19) VCF-style: chr19-17945910-C-T.
Other names: short protein forms A677T.
Identifiers: ClinVar variation 2054476 (VCV002054476.1), dbSNP rs201000040, ClinGen allele CA9301700.
Genomic context (GRCh38, chr19:17,835,101, plus strand): 5'-TGCCCTGCTCAGCCCCTCCCTCCTCCACCTCCAGGAACTTACTCTCCAGGCTTAACACAG[C>T]GGGGCTGACCCCAGGGTCACTCAGCTTGATGAAGGGCGGGCTCCCATCAGCCCCCTCCCG-3'
Protein context (NP_000206.2, residues 667-687): IKLSDPGVSP[Ala677Thr]VLSLEMLTDR